The following is an entry in ClinVar:

ClinVar aggregate classification (germline): Benign/Likely benign. Review status: criteria provided, multiple submitters, no conflicts (2 of 4 stars). 2 submissions from 2 submitters: Benign (1); Likely benign (1). Last evaluated 2025-12-15.

Conditions:
LONP1-related disorder. Also called: LONP1-related condition; LONP1-related disorders.

Allele frequency attached by ClinVar (database versions not stated): 1000 Genomes Project 30x 0.00031; gnomAD exomes 0.00001; ExAC 0.00005; gnomAD 0.00005; TOPMed 0.00012; 1000 Genomes Project 0.00020.
gnomAD v4.1: 23 of 1,614,008 alleles (0.0014%); highest among the groups gnomAD compares: African/African-American, 0.027%; no homozygotes.

Submissions (2):

Labcorp Genetics (formerly Invitae), Labcorp
Classification: Benign. Last evaluated: 2025-12-15. Review status: criteria provided, single submitter. Criteria: Invitae Variant Classification Sherloc (09022015). Collection method: clinical testing. Allele origin: germline.

PreventionGenetics, part of Exact Sciences
Classification: Likely benign for LONP1-related condition. Last evaluated: 2025-01-23. Review status: criteria provided, single submitter. Criteria: ACMG Guidelines, 2015. Collection method: clinical testing. Allele origin: germline.
Comment: This variant is classified as likely benign based on ACMG/AMP sequence variant interpretation guidelines (Richards et al. 2015 PMID: 25741868, with internal and published modifications).

NM_004793.4(LONP1):c.2466A>G (p.Arg822=)

Gene: LONP1 (lon peptidase 1, mitochondrial; minus strand). Cytogenetic location: 19p13.3.
Variant type: single nucleotide variant.
Coding change: c.2466A>G on transcript NM_004793.4 (MANE Select); coding-DNA position 2466, A replaced by G.
Protein change: p.Arg822=; no amino-acid change (arginine 822 retained).
Molecular consequence: synonymous variant. On other transcripts: non-coding transcript variant (1).
Genome position (GRCh38, 1-based): chr19:5,693,624, T>C on the plus strand (A>G on the coding strand, the complement: LONP1 is on the minus strand). VCF-style: chr19-5693624-T-C. GRCh37 (hg19) VCF-style: chr19-5693635-T-C.
Other names: c.2466A>G (NM_004793.3); c.2274A>G, p.Arg758= (NM_001276479.2); c.1878A>G, p.Arg626= (NM_001276480.1).
Identifiers: ClinVar variation 2973841 (VCV002973841.4), dbSNP rs562078527, ClinGen allele CA9114108.